The following is an entry in ClinVar:

ClinVar aggregate classification (germline): Uncertain significance (1 of 4 stars; one submission).

Conditions:
Atypical glycine encephalopathy. Also called: Glycine encephalopathy with normal serum glycine. Identifiers: Orphanet 289863, MedGen C4310943, MONDO:0015010, OMIM 617301.

Allele frequency attached by ClinVar (database versions not stated): TOPMed below 0.00001; gnomAD 0.00001; ExAC 0.00005.
gnomAD v4.1: 14 of 1,613,480 alleles (0.00087%); highest among the groups gnomAD compares: Non-Finnish European, 0.0011%; no homozygotes.

Submission:

Labcorp Genetics (formerly Invitae), Labcorp
Classification: Uncertain significance for Atypical glycine encephalopathy. Last evaluated: 2022-06-24. Review status: criteria provided, single submitter. Criteria: Invitae Variant Classification Sherloc (09022015). Collection method: clinical testing. Allele origin: germline.
Comment: This variant has not been reported in the literature in individuals affected with SLC6A9-related conditions. Algorithms developed to predict the effect of missense changes on protein structure and function (SIFT, PolyPhen-2, Align-GVGD) all suggest that this variant is likely to be tolerated. Algorithms developed to predict the effect of sequence changes on RNA splicing suggest that this variant may create or strengthen a splice site. This sequence change replaces glutamine, which is neutral and polar, with arginine, which is basic and polar, at codon 36 of the SLC6A9 protein (p.Gln36Arg). This variant is present in population databases (rs766142754, gnomAD 0.006%). In summary, the available evidence is currently insufficient to determine the role of this variant in disease. Therefore, it has been classified as a Variant of Uncertain Significance.

NM_001024845.3(SLC6A9):c.31-821A>G

Gene: SLC6A9 (solute carrier family 6 member 9; minus strand). Cytogenetic location: 1p34.1.
Variant type: single nucleotide variant.
Coding change: c.31-821A>G on transcript NM_001024845.3 (MANE Select); 821 bases into the intron before coding-DNA position 31, A replaced by G.
Molecular consequence: intron variant. On other transcripts: missense variant (1).
Genome position (GRCh38, 1-based): chr1:44,011,703, T>C on the plus strand (A>G on the coding strand, the complement: SLC6A9 is on the minus strand). VCF-style: chr1-44011703-T-C. GRCh37 (hg19) VCF-style: chr1-44477375-T-C.
Other names: c.107A>G, p.Gln36Arg (NM_201649.4); c.-14-3080A>G (NM_001328630.2, NM_001328626.2); c.31-821A>G (NM_001328629.1); c.125-3080A>G (NM_001328628.1); c.125-1607A>G (NM_001328627.1); c.88-821A>G (NM_001261380.2, NM_006934.4); short protein forms Q36R.
Identifiers: ClinVar variation 1902586 (VCV001902586.5), dbSNP rs766142754, ClinGen allele CA817940.
Genomic context (GRCh38, chr1:44,011,703, plus strand): 5'-GACTCTGCTAGGGAAGTAGAGGGAGTGGCTCCAGAAAAGGGTGGCAGGAAGAAGGATCTC[T>C]GAACAGGGAGAAGCGTCACCTGCAGGGGAGGGGGCCGAAGGTCAGGAGAGGCAGATGCGG-3'